The following is an entry in ClinVar:

NM_001367178.1(TEDC1):c.21G>T (p.Arg7=)

Gene: TEDC1 (tubulin epsilon and delta complex 1; plus strand). Cytogenetic location: 14q32.33.
Variant type: single nucleotide variant.
Coding change: c.21G>T on transcript NM_001367178.1 (MANE Select); coding-DNA position 21, G replaced by T.
Protein change: p.Arg7=; no amino-acid change (arginine 7 retained).
Molecular consequence: synonymous variant. On other transcripts: intron variant (2).
Genome position (GRCh38, 1-based): chr14:105,491,396, G>T. VCF-style: chr14-105491396-G-T. GRCh37 (hg19) VCF-style: chr14-105957733-G-T.
Other names: c.21G>T, p.Arg7= (NM_001134875.2, NM_001134876.2); c.31-226G>T (NM_001198983.2); c.25-226G>T (NM_001134877.1).
Identifiers: ClinVar variation 2644923 (VCV002644923.24), dbSNP rs587737632, ClinGen allele CA7390940.
Genomic context (GRCh38, chr14:105,491,396, plus strand): 5'-GGCGGAGGCGGGCGATCCGAAAGAGGCTGGTGCTGGCTGCATGGGGAGGCGGCGGCAGCG[G>T]GTGGACCCCGCGGCTGGGGCCCGGGCCGGGGCCCTGCCTGAGGCCATCGCCGCGTTGAGT-3'
Protein context (NP_001354107.1, residues 1-17): MGRRRQ[Arg7=]VDPAAGARAG

ClinVar aggregate classification (germline): Likely benign (1 of 4 stars; one submission).

Allele frequency attached by ClinVar (database versions not stated): gnomAD exomes 0.00018; gnomAD 0.00177; 1000 Genomes Project 0.00200; 1000 Genomes Project 30x 0.00219; TOPMed 0.00230.
gnomAD v4.1: 513 of 1,419,872 alleles (0.036%); highest among the groups gnomAD compares: African/African-American, 0.62%; 3 homozygotes.

Submission:

CeGaT Center for Human Genetics Tuebingen
Classification: Likely benign. Last evaluated: 2023-02-01. Review status: criteria provided, single submitter. Criteria: CeGaT Center For Human Genetics Tuebingen Variant Classification Criteria Version 2. Collection method: clinical testing. Allele origin: germline. Affected: yes. Observed: 1 variant allele.
Comment: TEDC1: BP4, BP7